The following is an entry in ClinVar:

ClinVar aggregate classification (germline): Uncertain significance. Review status: criteria provided, multiple submitters, no conflicts (2 of 4 stars). 3 submissions from 3 submitters: Uncertain significance (3). Last evaluated 2025-09-09.

Conditions:
Familial thoracic aortic aneurysm and aortic dissection (TAAD). Also called: Thoracic aortic aneurysms and dissections. Identifiers: Orphanet 91387, MedGen C4707243, MONDO:0019625.
Ehlers-Danlos syndrome, type 4 (EDSVASC). Also called: Ehlers-Danlos syndrome vascular type; Ehlers Danlos syndrome, ecchymotic type; Ehlers Danlos syndrome, arterial type; Ehlers Danlos syndrome, Sack-Barabas type; Ehlers-Danlos Syndrome Type IV. Identifiers: Orphanet 286, MedGen C0268338, MONDO:0017314, OMIM 130050.

Allele frequency attached by ClinVar (database versions not stated): gnomAD exomes below 0.00001.
gnomAD v4.1: 2 of 1,613,210 alleles (0.00012%); highest among the groups gnomAD compares: Non-Finnish European, 0.00017%; no homozygotes.

Submissions (3):

Labcorp Genetics (formerly Invitae), Labcorp
Classification: Uncertain significance for Ehlers-Danlos syndrome, type 4. Last evaluated: 2025-09-09. Review status: criteria provided, single submitter. Criteria: Invitae Variant Classification Sherloc (09022015). Collection method: clinical testing. Allele origin: germline.
Comment: This sequence change replaces phenylalanine, which is neutral and non-polar, with leucine, which is neutral and non-polar, at codon 1111 of the COL3A1 protein (p.Phe1111Leu). This variant is not present in population databases (gnomAD no frequency). This variant has not been reported in the literature in individuals affected with COL3A1-related conditions. ClinVar contains an entry for this variant (Variation ID: 1693855). Invitae Evidence Modeling of protein sequence and biophysical properties (such as structural, functional, and spatial information, amino acid conservation, physicochemical variation, residue mobility, and thermodynamic stability) indicates that this missense variant is not expected to disrupt COL3A1 protein function with a negative predictive value of 95%. In summary, the available evidence is currently insufficient to determine the role of this variant in disease. Therefore, it has been classified as a Variant of Uncertain Significance.

Color Diagnostics, LLC DBA Color Health
Classification: Uncertain significance for Familial thoracic aortic aneurysm and aortic dissection. Last evaluated: 2024-01-28. Review status: criteria provided, single submitter. Criteria: ACMG Guidelines, 2015. Collection method: clinical testing. Allele origin: germline.
Comment: This missense variant replaces phenylalanine with leucine at codon 1111 of the COL3A1 protein. Computational prediction is inconclusive regarding the impact of this variant on protein structure and function (internally defined REVEL score threshold 0.5 < inconclusive < 0.7, PMID: 27666373). To our knowledge, functional studies have not been reported for this variant. This variant has not been reported in individuals affected with COL3A1-related disorders in the literature. This variant has not been identified in the general population by the Genome Aggregation Database (gnomAD). The available evidence is insufficient to determine the role of this variant in disease conclusively. Therefore, this variant is classified as a Variant of Uncertain Significance.

Mayo Clinic Laboratories, Mayo Clinic
Classification: Uncertain significance. Last evaluated: 2022-01-05. Review status: criteria provided, single submitter. Criteria: ACMG Guidelines, 2015. Collection method: clinical testing. Allele origin: germline.

NM_000090.4(COL3A1):c.3333C>A (p.Phe1111Leu)

Gene: COL3A1 (collagen type III alpha 1 chain; plus strand). Cytogenetic location: 2q32.2.
Variant type: single nucleotide variant.
Coding change: c.3333C>A on transcript NM_000090.4 (MANE Select); coding-DNA position 3333, C replaced by A.
Protein change: p.Phe1111Leu; replaces phenylalanine 1111 with leucine.
Molecular consequence: missense variant.
Genome position (GRCh38, 1-based): chr2:189,007,577, C>A. VCF-style: chr2-189007577-C-A. GRCh37 (hg19) VCF-style: chr2-189872303-C-A.
Other names: p.Phe1111Leu; short protein forms F1111L.
Identifiers: ClinVar variation 1693855 (VCV001693855.8), dbSNP rs1376067428, ClinGen allele CA349845844.